The following is an entry in ClinVar:

NM_133497.4(KCNV2):c.1034C>T (p.Pro345Leu)

Gene: KCNV2 (potassium voltage-gated channel modifier subfamily V member 2; plus strand). Cytogenetic location: 9p24.2.
Variant type: single nucleotide variant.
Coding change: c.1034C>T on transcript NM_133497.4 (MANE Select); coding-DNA position 1034, C replaced by T.
Protein change: p.Pro345Leu; replaces proline 345 with leucine.
Molecular consequence: missense variant.
Genome position (GRCh38, 1-based): chr9:2,718,773, C>T. VCF-style: chr9-2718773-C-T. GRCh37 (hg19) VCF-style: chr9-2718773-C-T.
Other names: short protein forms P345L.
Identifiers: ClinVar variation 955906 (VCV000955906.9), dbSNP rs773122223, ClinGen allele CA4965732.

ClinVar aggregate classification (germline): Uncertain significance. Review status: criteria provided, multiple submitters, no conflicts (2 of 4 stars). 3 submissions from 3 submitters: Uncertain significance (3). Last evaluated 2025-08-20.

Conditions:
Inborn genetic diseases. Identifiers: MedGen C0950123, MeSH D030342.

Allele frequency attached by ClinVar (database versions not stated): gnomAD 0.00001 and 0.00002; gnomAD exomes 0.00001 and 0.00002; ExAC 0.00002.
gnomAD v4.1: 18 of 1,611,200 alleles (0.0011%); highest among the groups gnomAD compares: East Asian, 0.02%; no homozygotes.

Submissions (3):

Ambry Genetics
Classification: Uncertain significance for Inborn genetic diseases. Last evaluated: 2025-08-20. Review status: criteria provided, single submitter. Criteria: Ambry Variant Classification Scheme 2023. Collection method: clinical testing. Allele origin: germline.

Labcorp Genetics (formerly Invitae), Labcorp
Classification: Uncertain significance. Last evaluated: 2022-10-17. Review status: criteria provided, single submitter. Criteria: Invitae Variant Classification Sherloc (09022015). Collection method: clinical testing. Allele origin: germline.
Comment: This variant has not been reported in the literature in individuals affected with KCNV2-related conditions. In summary, the available evidence is currently insufficient to determine the role of this variant in disease. Therefore, it has been classified as a Variant of Uncertain Significance. Advanced modeling of protein sequence and biophysical properties (such as structural, functional, and spatial information, amino acid conservation, physicochemical variation, residue mobility, and thermodynamic stability) performed at Invitae indicates that this missense variant is expected to disrupt KCNV2 protein function. ClinVar contains an entry for this variant (Variation ID: 955906). This variant is present in population databases (rs773122223, gnomAD 0.01%). This sequence change replaces proline, which is neutral and non-polar, with leucine, which is neutral and non-polar, at codon 345 of the KCNV2 protein (p.Pro345Leu).

Blueprint Genetics
Classification: Uncertain significance. Last evaluated: 2021-12-28. Review status: criteria provided, single submitter. Criteria: ACMG Guidelines, 2015. Collection method: clinical testing. Allele origin: germline.